The following is an entry in ClinVar:

ClinVar aggregate classification (germline): Uncertain significance (1 of 4 stars; one submission).

gnomAD v4.1: 8 of 1,613,476 alleles (0.0005%); highest among the groups gnomAD compares: Non-Finnish European, 0.00068%; no homozygotes.

Submission:

Labcorp Genetics (formerly Invitae), Labcorp
Classification: Uncertain significance. Last evaluated: 2025-02-16. Review status: criteria provided, single submitter. Criteria: Invitae Variant Classification Sherloc (09022015). Collection method: clinical testing. Allele origin: germline.
Comment: This sequence change replaces isoleucine, which is neutral and non-polar, with serine, which is neutral and polar, at codon 1509 of the RP1 protein (p.Ile1509Ser). This variant is not present in population databases (gnomAD no frequency). This variant has not been reported in the literature in individuals affected with RP1-related conditions. An algorithm developed to predict the effect of missense changes on protein structure and function (PolyPhen-2) suggests that this variant is likely to be tolerated. In summary, the available evidence is currently insufficient to determine the role of this variant in disease. Therefore, it has been classified as a Variant of Uncertain Significance.

NM_006269.2(RP1):c.4526T>G (p.Ile1509Ser)

Gene: RP1 (RP1 axonemal microtubule associated; plus strand). Cytogenetic location: 8q12.1.
Variant type: single nucleotide variant.
Coding change: c.4526T>G on transcript NM_006269.2 (MANE Select); coding-DNA position 4526, T replaced by G.
Protein change: p.Ile1509Ser; replaces isoleucine 1509 with serine.
Molecular consequence: missense variant. On other transcripts: intron variant (1).
Genome position (GRCh38, 1-based): chr8:54,628,408, T>G. VCF-style: chr8-54628408-T-G. GRCh37 (hg19) VCF-style: chr8-55540968-T-G.
Other names: c.787+6120T>G (NM_001375654.1); short protein forms I1509S.
Identifiers: ClinVar variation 4700746 (VCV004700746.1).